The following is an entry in ClinVar:

ClinVar aggregate classification (germline): Likely benign. Review status: criteria provided, multiple submitters, no conflicts (2 of 4 stars). 2 submissions from 2 submitters: Likely benign (2). Last evaluated 2025-03-10.

Conditions:
CHKB-related disorder. Also called: CHKB-related condition.
Megaconial type congenital muscular dystrophy (MDCMC). Also called: MUSCULAR DYSTROPHY, CONGENITAL, WITH MITOCHONDRIAL STRUCTURAL ABNORMALITIES; CHKB-Related Muscular Dystrophy; CHKB-Related Muscle Diseases. Identifiers: Orphanet 280671, MedGen C1865233, MONDO:0011246, OMIM 602541.

Allele frequency attached by ClinVar (database versions not stated): TOPMed below 0.00001; gnomAD exomes 0.00001; ExAC 0.00002.
gnomAD v4.1: 11 of 1,614,052 alleles (0.00068%); highest among the groups gnomAD compares: Admixed American, 0.005%; no homozygotes.

Submissions (2):

PreventionGenetics, part of Exact Sciences
Classification: Likely benign for CHKB-related condition. Last evaluated: 2025-03-10. Review status: criteria provided, single submitter. Criteria: ACMG Guidelines, 2015. Collection method: clinical testing. Allele origin: germline.
Comment: This variant is classified as likely benign based on ACMG/AMP sequence variant interpretation guidelines (Richards et al. 2015 PMID: 25741868, with internal and published modifications).

Labcorp Genetics (formerly Invitae), Labcorp
Classification: Likely benign for Megaconial type congenital muscular dystrophy. Last evaluated: 2025-03-05. Review status: criteria provided, single submitter. Criteria: Invitae Variant Classification Sherloc (09022015). Collection method: clinical testing. Allele origin: germline.

NM_005198.5(CHKB):c.843T>C (p.Phe281=)

Genes: CHKB (choline kinase beta; minus strand), CHKB-CPT1B (CHKB-CPT1B readthrough (NMD candidate); minus strand). Cytogenetic location: 22q13.33.
Variant type: single nucleotide variant.
Coding change: c.843T>C on transcript NM_005198.5 (MANE Select); coding-DNA position 843, T replaced by C.
Protein change: p.Phe281=; no amino-acid change (phenylalanine 281 retained).
Molecular consequence: synonymous variant. On other transcripts: non-coding transcript variant (1).
Genome position (GRCh38, 1-based): chr22:50,580,058, A>G on the plus strand (T>C on the coding strand, the complement: CHKB is on the minus strand). VCF-style: chr22-50580058-A-G. GRCh37 (hg19) VCF-style: chr22-51018487-A-G.
Other names: c.843T>C (NM_005198.4).
Identifiers: ClinVar variation 1136355 (VCV001136355.10), dbSNP rs760833908, ClinGen allele CA10323611.